The following is an entry in ClinVar:

NM_006939.4(SOS2):c.3341G>A (p.Ser1114Asn)

Gene: SOS2 (SOS Ras/Rho guanine nucleotide exchange factor 2; minus strand). Cytogenetic location: 14q21.3.
Variant type: single nucleotide variant.
Coding change: c.3341G>A on transcript NM_006939.4 (MANE Select); coding-DNA position 3341, G replaced by A.
Protein change: p.Ser1114Asn; replaces serine 1114 with asparagine.
Molecular consequence: missense variant.
Genome position (GRCh38, 1-based): chr14:50,129,999, C>T on the plus strand (G>A on the coding strand, the complement: SOS2 is on the minus strand). VCF-style: chr14-50129999-C-T. GRCh37 (hg19) VCF-style: chr14-50596717-C-T.
Other names: c.3242G>A, p.Ser1081Asn (NM_001411020.1); short protein forms S1081N, S1114N.
Identifiers: ClinVar variation 1713951 (VCV001713951.9), dbSNP rs2502820692, ClinGen allele CA389640307.

ClinVar aggregate classification (germline): Uncertain significance. Review status: criteria provided, multiple submitters, no conflicts (2 of 4 stars). 3 submissions from 3 submitters: Uncertain significance (3). Last evaluated 2023-05-23.

Conditions:
Cardiovascular phenotype. Identifiers: MedGen CN230736.
Noonan syndrome 9 (NS9). Identifiers: Orphanet 648, MedGen C4225282, MONDO:0014691, OMIM 616559.

gnomAD v4.1: 1 of 1,586,920 alleles (0.000063%); no homozygotes.

Submissions (3):

Labcorp Genetics (formerly Invitae), Labcorp
Classification: Uncertain significance for Noonan syndrome 9. Last evaluated: 2023-05-23. Review status: criteria provided, single submitter. Criteria: Invitae Variant Classification Sherloc (09022015). Collection method: clinical testing. Allele origin: germline.
Comment: This variant has not been reported in the literature in individuals affected with SOS2-related conditions. In summary, the available evidence is currently insufficient to determine the role of this variant in disease. Therefore, it has been classified as a Variant of Uncertain Significance. Algorithms developed to predict the effect of sequence changes on RNA splicing suggest that this variant may disrupt the consensus splice site. Advanced modeling of protein sequence and biophysical properties (such as structural, functional, and spatial information, amino acid conservation, physicochemical variation, residue mobility, and thermodynamic stability) performed at Invitae indicates that this missense variant is not expected to disrupt SOS2 protein function. ClinVar contains an entry for this variant (Variation ID: 1713951). This variant is not present in population databases (gnomAD no frequency). This sequence change replaces serine, which is neutral and polar, with asparagine, which is neutral and polar, at codon 1114 of the SOS2 protein (p.Ser1114Asn).

Ambry Genetics
Classification: Uncertain significance for Cardiovascular phenotype. Last evaluated: 2022-08-16. Review status: criteria provided, single submitter. Criteria: Ambry Variant Classification Scheme 2023. Collection method: clinical testing. Allele origin: germline.
Comment: The p.S1114N variant (also known as c.3341G>A), located in coding exon 21 of the SOS2 gene, results from a G to A substitution at nucleotide position 3341. The serine at codon 1114 is replaced by asparagine, an amino acid with highly similar properties. This amino acid position is conserved. In addition, this alteration is predicted to be tolerated by in silico analysis. Since supporting evidence is limited at this time, the clinical significance of this alteration remains unclear.

Genome-Nilou Lab
Classification: Uncertain significance for Noonan syndrome 9. Review status: criteria provided, single submitter. Criteria: ACMG Guidelines, 2015. Collection method: clinical testing. Allele origin: germline.